The following is an entry in ClinVar:

NM_000051.4(ATM):c.8248T>A (p.Leu2750Ile)

Genes: ATM (ATM serine/threonine kinase; plus strand), C11orf65 (chromosome 11 open reading frame 65; minus strand). Cytogenetic location: 11q22.3.
Variant type: single nucleotide variant.
Coding change: c.8248T>A on transcript NM_000051.4 (MANE Select); coding-DNA position 8248, T replaced by A.
Protein change: p.Leu2750Ile; replaces leucine 2750 with isoleucine.
Molecular consequence: missense variant. On other transcripts: intron variant (2).
Genome position (GRCh38, 1-based): chr11:108,335,941, T>A. VCF-style: chr11-108335941-T-A. GRCh37 (hg19) VCF-style: chr11-108206668-T-A.
Other names: c.8248T>A, p.Leu2750Ile (NM_001351834.2); c.641-26870A>T (NM_001330368.2); c.695-649A>T (NM_001351110.2); short protein forms L2750I.
Identifiers: ClinVar variation 230427 (VCV000230427.15), dbSNP rs876658559, ClinGen allele CA10579291.

ClinVar aggregate classification (germline): Uncertain significance. Review status: criteria provided, multiple submitters, no conflicts (2 of 4 stars). 2 submissions from 2 submitters: Uncertain significance (2). Last evaluated 2025-11-02.

Conditions:
Hereditary cancer-predisposing syndrome. Also called: Neoplastic Syndromes, Hereditary; Hereditary neoplastic syndrome; Tumor predisposition; Hereditary Cancer Syndrome. Identifiers: Orphanet 140162, MedGen C0027672, MeSH D009386, MONDO:0015356.
Ataxia-telangiectasia syndrome (AT). Also called: Ataxia telangiectasia (A-T); Cerebello-oculocutaneous telangiectasia; Immunodeficiency with ataxia telangiectasia; LOUIS-BAR SYNDROME; AT, COMPLEMENTATION GROUP C; ATAXIA-TELANGIECTASIA, FRESNO VARIANT. Identifiers: Orphanet 100, MedGen C0004135, MONDO:0008840, OMIM 208900.

gnomAD v4.1: 2 of 1,611,508 alleles (0.00012%); highest among the groups gnomAD compares: African/African-American, 0.0027%; no homozygotes.

Submissions (2):

Labcorp Genetics (formerly Invitae), Labcorp
Classification: Uncertain significance for Ataxia-telangiectasia syndrome. Last evaluated: 2025-11-02. Review status: criteria provided, single submitter. Criteria: Invitae Variant Classification Sherloc (09022015). Collection method: clinical testing. Allele origin: germline.
Comment: This sequence change replaces leucine, which is neutral and non-polar, with isoleucine, which is neutral and non-polar, at codon 2750 of the ATM protein (p.Leu2750Ile). This variant is present in population databases (no rsID available, gnomAD 0.007%). This missense change has been observed in individual(s) with breast cancer (PMID: 36315513). ClinVar contains an entry for this variant (Variation ID: 230427). Invitae Evidence Modeling of protein sequence and biophysical properties (such as structural, functional, and spatial information, amino acid conservation, physicochemical variation, residue mobility, and thermodynamic stability) indicates that this missense variant is not expected to disrupt ATM protein function with a negative predictive value of 95%. In summary, the available evidence is currently insufficient to determine the role of this variant in disease. Therefore, it has been classified as a Variant of Uncertain Significance.

Ambry Genetics
Classification: Uncertain significance for Hereditary cancer-predisposing syndrome. Last evaluated: 2024-03-22. Review status: criteria provided, single submitter. Criteria: Ambry Variant Classification Scheme 2023. Collection method: clinical testing. Allele origin: germline.
Comment: The p.L2750I variant (also known as c.8248T>A), located in coding exon 55 of the ATM gene, results from a T to A substitution at nucleotide position 8248. The leucine at codon 2750 is replaced by isoleucine, an amino acid with highly similar properties. This alteration was identified in an individual diagnosed with breast cancer (McDonald JT et al. PLoS One, 2022 Oct;17:e0273835). This amino acid position is highly conserved in available vertebrate species. In addition, the in silico prediction for this alteration is inconclusive. Based on the available evidence, the clinical significance of this alteration remains unclear.

Literature cited by the submitters: PubMed 36315513 (cited by Labcorp Genetics (formerly Invitae), Labcorp and Ambry Genetics).